The following is an entry in ClinVar:

ClinVar aggregate classification (germline): Likely benign. Review status: criteria provided, multiple submitters, no conflicts (2 of 4 stars). 6 submissions from 6 submitters: Likely benign (6). Last evaluated 2026-07-06.

Conditions:
Cardiac arrhythmia. Also called: Arrhythmia; Cardiac rhythm disease. Identifiers: MedGen C0003811, MONDO:0007263, HP:0011675.
Long QT syndrome (LQTS). Identifiers: MedGen C0023976, MeSH D008133, MONDO:0002442. Disease mechanism: loss of function. Inheritance: Various modes of inheritance.
Cardiovascular phenotype. Identifiers: MedGen CN230736.

Allele frequency attached by ClinVar (database versions not stated): gnomAD exomes 0.00001.
gnomAD v4.1: 20 of 1,614,010 alleles (0.0012%); highest among the groups gnomAD compares: Non-Finnish European, 0.0017%; no homozygotes.

Submissions (6):

Ambry Genetics
Classification: Likely benign for Cardiovascular phenotype. Last evaluated: 2026-07-06. Review status: criteria provided, single submitter. Criteria: Ambry Variant Classification Scheme 2023. Collection method: clinical testing. Allele origin: germline.

Labcorp Genetics (formerly Invitae), Labcorp
Classification: Likely benign for Long QT syndrome. Last evaluated: 2025-07-15. Review status: criteria provided, single submitter. Criteria: Invitae Variant Classification Sherloc (09022015). Collection method: clinical testing. Allele origin: germline.

Molecular Diagnostic Laboratory for Inherited Cardiovascular Disease, Montreal Heart Institute
Classification: Likely benign. Last evaluated: 2025-04-09. Review status: criteria provided, single submitter. Criteria: ACMG Guidelines, 2015. Collection method: clinical testing. Allele origin: germline. Affected: no.

Blueprint Genetics
Classification: Likely benign. Last evaluated: 2024-07-26. Review status: criteria provided, single submitter. Criteria: ACMG Guidelines, 2015. Collection method: clinical testing. Allele origin: germline.

All of Us Research Program, National Institutes of Health
Classification: Likely benign for Long QT syndrome. Last evaluated: 2023-12-13. Review status: criteria provided, single submitter. Criteria: ACMG Guidelines, 2015. Collection method: clinical testing. Allele origin: germline. Inheritance: Autosomal dominant inheritance. Observed: 3 variant alleles, 3 heterozygotes.
Comment: This study involves interpretation of variants in research participants for the purpose of population health screening. Participant phenotype was not available at the time of variant classification. Additional details can be found in publication PMID: 35346344, PMCID: PMC8962531

Color Diagnostics, LLC DBA Color Health
Classification: Likely benign for Cardiac arrhythmia. Last evaluated: 2021-06-15. Review status: criteria provided, single submitter. Criteria: ACMG Guidelines, 2015. Collection method: clinical testing. Allele origin: germline.

NM_000218.3(KCNQ1):c.1035G>A (p.Gly345=)

Gene: KCNQ1 (potassium voltage-gated channel subfamily Q member 1; plus strand). Cytogenetic location: 11p15.5.
Variant type: single nucleotide variant.
Coding change: c.1035G>A on transcript NM_000218.3 (MANE Select); coding-DNA position 1035, G replaced by A.
Protein change: p.Gly345=; no amino-acid change (glycine 345 retained).
Molecular consequence: synonymous variant. On other transcripts: intron variant (2).
Genome position (GRCh38, 1-based): chr11:2,585,214, G>A. VCF-style: chr11-2585214-G-A. GRCh37 (hg19) VCF-style: chr11-2606444-G-A.
Other names: c.765G>A, p.Gly255= (NM_001406837.1); c.654G>A, p.Gly218= (NM_181798.2); c.1032+1669G>A (NM_001406836.1); c.588+1669G>A (NM_001406838.1).
Identifiers: ClinVar variation 1154905 (VCV001154905.17), dbSNP rs534906627, ClinGen allele CA216329878.
Genomic context (GRCh38, chr11:2,585,214, plus strand): 5'-CTGCACCCAGCTGGCAGTGGCCTGTGTGGACGGGAGCCTCCTGTCCATTCCTTCCCAGGG[G>A]ATTCTTGGCTCGGGGTTTGCCCTGAAGGTGCAGCAGAAGCAGAGGCAGAAGCACTTCAAC-3'
Protein context (NP_000209.2, residues 335-355): FAISFFALPA[Gly345=]ILGSGFALKV